The following is an entry in ClinVar:

NM_001364905.1(LRBA):c.3424G>T (p.Gly1142Cys)

Gene: LRBA (LPS responsive beige-like anchor protein; minus strand). Cytogenetic location: 4q31.3.
Variant type: single nucleotide variant.
Coding change: c.3424G>T on transcript NM_001364905.1 (MANE Select); coding-DNA position 3424, G replaced by T.
Protein change: p.Gly1142Cys; replaces glycine 1142 with cysteine.
Molecular consequence: missense variant.
Genome position (GRCh38, 1-based): chr4:150,852,286, C>A on the plus strand (G>T on the coding strand, the complement: LRBA is on the minus strand). VCF-style: chr4-150852286-C-A. GRCh37 (hg19) VCF-style: chr4-151773438-C-A.
Other names: c.3424G>T, p.Gly1142Cys (NM_001199282.3, NM_001367550.1, NM_006726.5); short protein forms G1142C.
Identifiers: ClinVar variation 1039979 (VCV001039979.10), dbSNP rs1377382315, ClinGen allele CA358458226.

ClinVar aggregate classification (germline): Uncertain significance. Review status: criteria provided, multiple submitters, no conflicts (2 of 4 stars). 2 submissions from 2 submitters: Uncertain significance (2). Last evaluated 2023-05-05.

Conditions:
Inborn genetic diseases. Identifiers: MedGen C0950123, MeSH D030342.
Combined immunodeficiency due to LRBA deficiency. Also called: Common variable immunodeficiency 8, with autoimmunity. Identifiers: Orphanet 445018, MedGen C3553512, MONDO:0013863, OMIM 614700.

Submissions (2):

Ambry Genetics
Classification: Uncertain significance for Inborn genetic diseases. Last evaluated: 2023-05-05. Review status: criteria provided, single submitter. Criteria: Ambry Variant Classification Scheme 2023. Collection method: clinical testing. Allele origin: germline.

Labcorp Genetics (formerly Invitae), Labcorp
Classification: Uncertain significance for Combined immunodeficiency due to LRBA deficiency. Last evaluated: 2020-03-16. Review status: criteria provided, single submitter. Criteria: Invitae Variant Classification Sherloc (09022015). Collection method: clinical testing. Allele origin: germline.
Comment: Algorithms developed to predict the effect of missense changes on protein structure and function (SIFT, PolyPhen-2, Align-GVGD) all suggest that this variant is likely to be tolerated, but these predictions have not been confirmed by published functional studies and their clinical significance is uncertain. This sequence change replaces glycine with cysteine at codon 1142 of the LRBA protein (p.Gly1142Cys). The glycine residue is weakly conserved and there is a large physicochemical difference between glycine and cysteine. This variant is not present in population databases (ExAC no frequency). This variant has not been reported in the literature in individuals with LRBA-related conditions. In summary, the available evidence is currently insufficient to determine the role of this variant in disease. Therefore, it has been classified as a Variant of Uncertain Significance.